The following is an entry in ClinVar:

NM_001165963.4(SCN1A):c.1091G>A (p.Ser364Asn)

Gene: SCN1A (sodium voltage-gated channel alpha subunit 1; minus strand). Cytogenetic location: 2q24.3.
Variant type: single nucleotide variant.
Coding change: c.1091G>A on transcript NM_001165963.4 (MANE Select); coding-DNA position 1091, G replaced by A.
Protein change: p.Ser364Asn; replaces serine 364 with asparagine.
Molecular consequence: missense variant. On other transcripts: 5 prime UTR variant (1), non-coding transcript variant (1).
Genome position (GRCh38, 1-based): chr2:166,047,706, C>T on the plus strand (G>A on the coding strand, the complement: SCN1A is on the minus strand). VCF-style: chr2-166047706-C-T. GRCh37 (hg19) VCF-style: chr2-166904216-C-T.
Other names: c.1091G>A, p.Ser364Asn (NM_001165964.3, NM_001202435.3, NM_001353948.2 and 10 more transcripts); c.-1335G>A (NM_001353961.2); short protein forms S364N.
Identifiers: ClinVar variation 2101972 (VCV002101972.4), dbSNP rs752775574, ClinGen allele CA1943365.

ClinVar aggregate classification (germline): Uncertain significance (1 of 4 stars; one submission).

Conditions:
Early-infantile DEE. Also called: Early infantile epileptic encephalopathy; Early infantile epileptic encephalopathy with suppression bursts; Ohtahara syndrome. Identifiers: Orphanet 1934, MedGen C0393706, MONDO:0800491.

Allele frequency attached by ClinVar (database versions not stated): ExAC 0.00068.

Submission:

Labcorp Genetics (formerly Invitae), Labcorp
Classification: Uncertain significance for Early-infantile DEE. Last evaluated: 2024-06-17. Review status: criteria provided, single submitter. Criteria: Invitae Variant Classification Sherloc (09022015). Collection method: clinical testing. Allele origin: germline.
Comment: This sequence change replaces serine, which is neutral and polar, with asparagine, which is neutral and polar, at codon 364 of the SCN1A protein (p.Ser364Asn). The frequency data for this variant in the population databases is considered unreliable, as metrics indicate poor data quality at this position in the gnomAD database. This variant has not been reported in the literature in individuals affected with SCN1A-related conditions. ClinVar contains an entry for this variant (Variation ID: 2101972). Advanced modeling of protein sequence and biophysical properties (such as structural, functional, and spatial information, amino acid conservation, physicochemical variation, residue mobility, and thermodynamic stability) performed at Invitae indicates that this missense variant is expected to disrupt SCN1A protein function with a positive predictive value of 95%. In summary, the available evidence is currently insufficient to determine the role of this variant in disease. Therefore, it has been classified as a Variant of Uncertain Significance.